The following is an entry in ClinVar:

ClinVar aggregate classification (germline): Uncertain significance (1 of 4 stars; one submission).

Conditions:
Cerebral cavernous malformation (CCM). Also called: CAVERNOUS ANGIOMA, FAMILIAL; CAVERNOUS ANGIOMATOUS MALFORMATIONS; CEREBRAL CAPILLARY MALFORMATIONS; Cavernous Hemangioma of Brain; Cerebral cavernous malformations; Cerebral cavernous hemangioma (type). Identifiers: Orphanet 221061, MedGen C2919945, MONDO:0000820, OMIM 116860, HP:0033522.

gnomAD v4.1: 1 of 1,606,206 alleles (0.000062%); highest among the groups gnomAD compares: Admixed American, 0.0017%; no homozygotes.

Submission:

Labcorp Genetics (formerly Invitae), Labcorp
Classification: Uncertain significance for Cerebral cavernous malformation. Last evaluated: 2025-12-15. Review status: criteria provided, single submitter. Criteria: Invitae Variant Classification Sherloc (09022015). Collection method: clinical testing. Allele origin: germline.
Comment: This sequence change replaces threonine, which is neutral and polar, with isoleucine, which is neutral and non-polar, at codon 151 of the KRIT1 protein (p.Thr151Ile). This variant is present in population databases (no rsID available, gnomAD 0.003%). This variant has not been reported in the literature in individuals affected with KRIT1-related conditions. Invitae Evidence Modeling of protein sequence and biophysical properties (such as structural, functional, and spatial information, amino acid conservation, physicochemical variation, residue mobility, and thermodynamic stability) indicates that this missense variant is not expected to disrupt KRIT1 protein function with a negative predictive value of 80%. Algorithms developed to predict the effect of sequence changes on RNA splicing suggest that this variant may disrupt the consensus splice site. In summary, the available evidence is currently insufficient to determine the role of this variant in disease. Therefore, it has been classified as a Variant of Uncertain Significance.

NM_194454.3(KRIT1):c.452C>T (p.Thr151Ile)

Gene: KRIT1 (KRIT1 ankyrin repeat containing; minus strand). Cytogenetic location: 7q21.2.
Variant type: single nucleotide variant.
Coding change: c.452C>T on transcript NM_194454.3 (MANE Select); coding-DNA position 452, C replaced by T.
Protein change: p.Thr151Ile; replaces threonine 151 with isoleucine.
Molecular consequence: missense variant. On other transcripts: 5 prime UTR variant (1).
Genome position (GRCh38, 1-based): chr7:92,236,446, G>A on the plus strand (C>T on the coding strand, the complement: KRIT1 is on the minus strand). VCF-style: chr7-92236446-G-A. GRCh37 (hg19) VCF-style: chr7-91865760-G-A.
Other names: c.452C>T, p.Thr151Ile (NM_001013406.2, NM_001350669.1, NM_001350670.1 and 29 more transcripts); c.-132C>T (NM_001350671.1); short protein forms T151I.
Identifiers: ClinVar variation 4804519 (VCV004804519.1).